The following is an entry in ClinVar:

NM_152383.5(DIS3L2):c.754A>G (p.Lys252Glu)

Gene: DIS3L2 (DIS3 like 3'-5' exoribonuclease 2; plus strand). Cytogenetic location: 2q37.1.
Variant type: single nucleotide variant.
Coding change: c.754A>G on transcript NM_152383.5 (MANE Select); coding-DNA position 754, A replaced by G.
Protein change: p.Lys252Glu; replaces lysine 252 with glutamic acid.
Molecular consequence: missense variant. On other transcripts: non-coding transcript variant (1).
Genome position (GRCh38, 1-based): chr2:232,136,523, A>G. VCF-style: chr2-232136523-A-G. GRCh37 (hg19) VCF-style: chr2-233001233-A-G.
Other names: c.754A>G, p.Lys252Glu (NM_001257281.2); short protein forms K252E.
Identifiers: ClinVar variation 1347030 (VCV001347030.8), dbSNP rs2106355327, ClinGen allele CA351153516.

ClinVar aggregate classification (germline): Uncertain significance (1 of 4 stars; one submission).

Conditions:
Perlman syndrome (PRLMNS). Identifiers: Orphanet 2849, MedGen C0796113, MONDO:0009965, OMIM 267000.

Allele frequency attached by ClinVar (database versions not stated): gnomAD exomes below 0.00001.
gnomAD v4.1: 1 of 1,614,060 alleles (0.000062%); highest among the groups gnomAD compares: Non-Finnish European, 0.000085%; no homozygotes.

Submission:

Labcorp Genetics (formerly Invitae), Labcorp
Classification: Uncertain significance for Perlman syndrome. Last evaluated: 2021-04-21. Review status: criteria provided, single submitter. Criteria: Invitae Variant Classification Sherloc (09022015). Collection method: clinical testing. Allele origin: germline.
Comment: This variant has not been reported in the literature in individuals with DIS3L2-related conditions. This variant is not present in population databases (ExAC no frequency). This sequence change replaces lysine with glutamic acid at codon 252 of the DIS3L2 protein (p.Lys252Glu). The lysine residue is moderately conserved and there is a small physicochemical difference between lysine and glutamic acid. In summary, the available evidence is currently insufficient to determine the role of this variant in disease. Therefore, it has been classified as a Variant of Uncertain Significance. Algorithms developed to predict the effect of missense changes on protein structure and function are either unavailable or do not agree on the potential impact of this missense change (SIFT: "Tolerated"; PolyPhen-2: "Probably Damaging"; Align-GVGD: "Class C0").